The following is an entry in ClinVar:

ClinVar aggregate classification (germline): Uncertain significance. Review status: criteria provided, multiple submitters, no conflicts (2 of 4 stars). 2 submissions from 2 submitters: Uncertain significance (2). Last evaluated 2022-10-31.

Conditions:
Familial melanoma. Also called: Hereditary melanoma; Hereditary cutaneous melanoma. Identifiers: Orphanet 618, MedGen C1512419, MONDO:0018961.
Hereditary cancer-predisposing syndrome. Also called: Neoplastic Syndromes, Hereditary; Tumor predisposition; Hereditary Cancer Syndrome; Hereditary neoplastic syndrome. Identifiers: Orphanet 140162, MedGen C0027672, MeSH D009386, MONDO:0015356.

Submissions (2):

Labcorp Genetics (formerly Invitae), Labcorp
Classification: Uncertain significance for Familial melanoma. Last evaluated: 2022-10-31. Review status: criteria provided, single submitter. Criteria: Invitae Variant Classification Sherloc (09022015). Collection method: clinical testing. Allele origin: germline.
Comment: In summary, the available evidence is currently insufficient to determine the role of this variant in disease. Therefore, it has been classified as a Variant of Uncertain Significance. Algorithms developed to predict the effect of missense changes on protein structure and function are either unavailable or do not agree on the potential impact of this missense change (SIFT: "Deleterious"; PolyPhen-2: "Benign"; Align-GVGD: "Class C0"). This variant has not been reported in the literature in individuals affected with CDK4-related conditions. This variant is not present in population databases (gnomAD no frequency). This sequence change replaces serine, which is neutral and polar, with asparagine, which is neutral and polar, at codon 36 of the CDK4 protein (p.Ser36Asn).

Ambry Genetics
Classification: Uncertain significance for Hereditary cancer-predisposing syndrome. Last evaluated: 2015-10-30. Review status: criteria provided, single submitter. Criteria: Ambry Variant Classification Scheme 2023. Collection method: clinical testing. Allele origin: germline.
Comment: The p.S36N variant (also known as c.107G>A), located in coding exon 1 of the CDK4 gene, results from a G to A substitution at nucleotide position 107. The serine at codon 36 is replaced by asparagine, an amino acid with highly similar properties. This variant was not reported in population based cohorts in the following databases: Database of Single Nucleotide Polymorphisms (dbSNP), NHLBI Exome Sequencing Project (ESP), and 1000 Genomes Project. In the ESP, this variant was not observed in 6503 samples (13006 alleles) with coverage at this position. To date, this alteration has been detected with an allele frequency of approximately 0.002% (greater than 50000 alleles tested) in our clinical cohort. This amino acid position is not well conserved in available vertebrate species. In addition, this alteration is predicted to be tolerated by in silico analysis. Since supporting evidence is limited at this time, the clinical significance of p.S36N remains unclear.

NM_000075.4(CDK4):c.107G>A (p.Ser36Asn)

Gene: CDK4 (cyclin dependent kinase 4; minus strand). Cytogenetic location: 12q14.1.
Variant type: single nucleotide variant.
Coding change: c.107G>A on transcript NM_000075.4 (MANE Select); coding-DNA position 107, G replaced by A.
Protein change: p.Ser36Asn; replaces serine 36 with asparagine.
Molecular consequence: missense variant.
Genome position (GRCh38, 1-based): chr12:57,751,611, C>T on the plus strand (G>A on the coding strand, the complement: CDK4 is on the minus strand). VCF-style: chr12-57751611-C-T. GRCh37 (hg19) VCF-style: chr12-58145394-C-T.
Other names: short protein forms S36N.
Identifiers: ClinVar variation 1786067 (VCV001786067.7), dbSNP rs1955238564, ClinGen allele CA385548849.